The following is an entry in ClinVar:

NM_004667.6(HERC2):c.5374A>G (p.Met1792Val)

Gene: HERC2 (HECT and RLD domain containing E3 ubiquitin protein ligase 2; minus strand). Cytogenetic location: 15q13.1.
Variant type: single nucleotide variant.
Coding change: c.5374A>G on transcript NM_004667.6 (MANE Select); coding-DNA position 5374, A replaced by G.
Protein change: p.Met1792Val; replaces methionine 1792 with valine.
Molecular consequence: missense variant.
Genome position (GRCh38, 1-based): chr15:28,228,308, T>C on the plus strand (A>G on the coding strand, the complement: HERC2 is on the minus strand). VCF-style: chr15-28228308-T-C. GRCh37 (hg19) VCF-style: chr15-28473454-T-C.
Other names: c.5374A>G (NM_004667.4); short protein forms M1792V.
Identifiers: ClinVar variation 450670 (VCV000450670.8), dbSNP rs138177581, ClinGen allele CA7442372.

ClinVar aggregate classification (germline): Uncertain significance. Review status: criteria provided, multiple submitters, no conflicts (2 of 4 stars). 3 submissions from 3 submitters: Uncertain significance (3). Last evaluated 2025-07-18.

Conditions:
Prader-Willi syndrome (PWS). Identifiers: Orphanet 739, MedGen C0032897, MONDO:0008300, OMIM 176270. Disease mechanism: Microdeletion, loss of function. Inheritance: Microdletion.
SKIN/HAIR/EYE PIGMENTATION 1, BLUE/NONBLUE EYES (SHEP1). Also called: SKIN/HAIR/EYE PIGMENTATION 1, BLOND/BROWN HAIR; SKIN/HAIR/EYE PIGMENTATION 1, BLUE/BROWN EYES; EYE COLOR 3; EYE COLOR, BLUE/NONBLUE; EYE COLOR, BROWN/BLUE; HAIR COLOR 3. Identifiers: MedGen C1856895, OMIM 227220.
Developmental delay with autism spectrum disorder and gait instability (MRT38). Also called: Intellectual developmental disorder, autosomal recessive 38. Identifiers: Orphanet 329195, MedGen C3809753, MONDO:0014224, OMIM 615516.
Inborn genetic diseases. Identifiers: MedGen C0950123, MeSH D030342.

Allele frequency attached by ClinVar (database versions not stated): gnomAD exomes 0.00019 and 0.00042; ExAC 0.00023; gnomAD 0.00023; TOPMed 0.00024; ESP Exome Variant Server 0.00046.

Submissions (3):

GeneDx
Classification: Uncertain significance. Last evaluated: 2025-07-18. Review status: criteria provided, single submitter. Criteria: GeneDx Variant Classification Process June 2021. Collection method: clinical testing. Allele origin: germline. Affected: yes.
Comment: In silico analysis suggests that this missense variant does not alter protein structure/function; Has not been previously published as pathogenic or benign to our knowledge

Fulgent Genetics
Classification: Uncertain significance for Prader-Willi syndrome; SKIN/HAIR/EYE PIGMENTATION 1, BLUE/NONBLUE EYES; Developmental delay with autism spectrum disorder and gait instability. Last evaluated: 2021-08-05. Review status: criteria provided, single submitter. Criteria: ACMG Guidelines, 2015. Collection method: clinical testing. Allele origin: unknown.

Ambry Genetics
Classification: Uncertain significance for Inborn genetic diseases. Last evaluated: 2021-04-15. Review status: criteria provided, single submitter. Criteria: Ambry Variant Classification Scheme 2023. Collection method: clinical testing. Allele origin: germline.